The following is an entry in ClinVar:

GRCh38/hg38 4q31.22(chr4:146662073-147129877)x1

Genes: TTC29 (tetratricopeptide repeat domain 29; minus strand), TTC29-AS1 (TTC29 antisense RNA 1; plus strand), LOC126807180 (BRD4-independent group 4 enhancer GRCh37_chr4:147878312-147879511; plus strand), LOC126807181 (BRD4-independent group 4 enhancer GRCh37_chr4:147880304-147881503; plus strand), LOC129993200 (ATAC-STARR-seq lymphoblastoid silent region 15740; plus strand). Cytogenetic location: 4q31.22.
Variant type: copy number loss.
Change: copy number 1 (one copy instead of two) of chr4:146,662,073-147,129,877 (467.8 kb, GRCh38 coordinates, 1-based), cytogenetic band 4q31.22.
Identifiers: ClinVar variation 4796197 (VCV004796197.1).

ClinVar aggregate classification (germline): Uncertain significance (1 of 4 stars; one submission).

Submission:

Medical Genetic Center, Changzhi Maternal and Child Health Care Hospital
Classification: Uncertain significance. Last evaluated: 2025-12-10. Review status: criteria provided, single submitter. Criteria: ACMG/ClinGen CNV Guidelines, 2019. Collection method: clinical testing. Allele origin: unknown.